The following is an entry in ClinVar:

NM_017433.5(MYO3A):c.1053+11C>T

Gene: MYO3A (myosin IIIA; plus strand). Cytogenetic location: 10p12.1.
Variant type: single nucleotide variant.
Coding change: c.1053+11C>T on transcript NM_017433.5 (MANE Select); 11 bases into the intron after coding-DNA position 1053, C replaced by T.
Molecular consequence: intron variant.
Genome position (GRCh38, 1-based): chr10:26,067,085, C>T. VCF-style: chr10-26067085-C-T. GRCh37 (hg19) VCF-style: chr10-26356014-C-T.
Identifiers: ClinVar variation 45793 (VCV000045793.20), dbSNP rs3824698, ClinGen allele CA137052.
Genomic context (GRCh38, chr10:26,067,085, plus strand): 5'-CCAATCTGAAGGATGTAGATGATTTAGCAACCCTAGAAATTTTGGATGAGGTAAGAATTT[C>T]AGTTTAATTAAACTTAGACATTCCAGATGTTTTGTTAATTTATAGAAGACACGGGTATTG-3'

ClinVar aggregate classification (germline): Benign. Review status: criteria provided, multiple submitters, no conflicts (2 of 4 stars). 8 submissions from 8 submitters: Benign (6). 2 of the submissions do not count toward it. Last evaluated 2024-11-27.

Conditions:
Autosomal recessive nonsyndromic hearing loss 30. Identifiers: Orphanet 90636, MedGen C1846784, MONDO:0011774, OMIM 607101.

Allele frequency attached by ClinVar (database versions not stated): 1000 Genomes Project 30x 0.39600; 1000 Genomes Project 0.39657; TOPMed 0.45122; ESP Exome Variant Server 0.46448; gnomAD 0.47456 and 0.47508; gnomAD exomes 0.47711; ExAC 0.48155.
gnomAD v4.1: 807,760 of 1,550,540 alleles (52%); highest among the groups gnomAD compares: Middle Eastern, 56%; 215,466 homozygotes.

Submissions (8):

Blueprint Genetics
Classification: Benign. Last evaluated: 2024-11-27. Review status: criteria provided, single submitter. Criteria: ACMG Guidelines, 2015. Collection method: clinical testing. Allele origin: germline.

Genome-Nilou Lab
Classification: Benign for Autosomal recessive nonsyndromic hearing loss 30. Last evaluated: 2021-09-05. Review status: criteria provided, single submitter. Criteria: ACMG Guidelines, 2015. Collection method: clinical testing. Allele origin: germline. Affected: no.

GeneDx
Classification: Benign. Last evaluated: 2018-06-22. Review status: criteria provided, single submitter. Criteria: GeneDx Variant Classification Process June 2021. Collection method: clinical testing. Allele origin: germline. Affected: yes.

Illumina Laboratory Services, Illumina
Classification: Benign for Autosomal recessive nonsyndromic hearing loss 30. Last evaluated: 2018-01-13. Review status: criteria provided, single submitter. Criteria: ICSL Variant Classification Criteria 13 December 2019. Collection method: clinical testing. Allele origin: germline.
Comment: This variant was observed in the ICSL laboratory as part of a predisposition screen in an ostensibly healthy population. It had not been previously curated by ICSL or reported in the Human Gene Mutation Database (HGMD: prior to June 1st, 2018), and was therefore a candidate for classification through an automated scoring system. Utilizing variant allele frequency, disease prevalence and penetrance estimates, and inheritance mode, an automated score was calculated to assess if this variant is too frequent to cause the disease. Based on the score and internal cut-off values, a variant classified as benign is not then subjected to further curation. The score for this variant resulted in a classification of benign for this disease.

Laboratory for Molecular Medicine, Mass General Brigham Personalized Medicine
Classification: Benign. Last evaluated: 2012-11-20. Review status: criteria provided, single submitter. Criteria: LMM Criteria. Collection method: clinical testing. Allele origin: germline. Observed: 979 variant alleles.
Comment: 1053+11C>T in Intron 11 of MYO3A: This variant is not expected to have clinical significance because it is not located within the conserved splice consensus seq uence and has been identified in 47.1% (3305/7020) of European American chromoso mes from a broad population by the NHLBI Exome Sequencing Project (.; dbSNP rs3824698).

Breakthrough Genomics
Classification: Benign. Review status: criteria provided, single submitter. Criteria: ACMG Guidelines, 2015. Collection method: not provided. Allele origin: germline. Inheritance: Autosomal recessive inheritance. Affected: yes.

Diagnostic Laboratory, Department of Genetics, University Medical Center Groningen
Classification: Benign. Review status: no assertion criteria provided. Collection method: clinical testing. Allele origin: germline. Affected: yes. Study: VKGL Data-share Consensus. Not counted in ClinVar's aggregate classification.

Joint Genome Diagnostic Labs from Nijmegen and Maastricht, Radboudumc and MUMC+
Classification: Benign. Review status: no assertion criteria provided. Collection method: clinical testing. Allele origin: germline. Affected: yes. Study: VKGL Data-share Consensus. Not counted in ClinVar's aggregate classification.